The following is an entry in ClinVar:

NM_000051.4(ATM):c.3194G>A (p.Gly1065Glu)

Gene: ATM (ATM serine/threonine kinase; plus strand). Cytogenetic location: 11q22.3.
Variant type: single nucleotide variant.
Coding change: c.3194G>A on transcript NM_000051.4 (MANE Select); coding-DNA position 3194, G replaced by A.
Protein change: p.Gly1065Glu; replaces glycine 1065 with glutamic acid.
Molecular consequence: missense variant.
Genome position (GRCh38, 1-based): chr11:108,272,762, G>A. VCF-style: chr11-108272762-G-A. GRCh37 (hg19) VCF-style: chr11-108143489-G-A.
Other names: c.3194G>A, p.Gly1065Glu (NM_001351834.2); short protein forms G1065E.
Identifiers: ClinVar variation 236701 (VCV000236701.29), dbSNP rs762810180, ClinGen allele CA6265223.
Genomic context (GRCh38, chr11:108,272,762, plus strand): 5'-CCACAGTTCTTTTCCCGTAGGCTGATCCTTATTCAAAATGGGCCATTCTTAATGTAATGG[G>A]AAAAGACTTTCCTGTAAATGAAGTATTTACACAATTTCTTGCTGACAATCATCACCAAGT-3'
Protein context (NP_000042.3, residues 1055-1075): YSKWAILNVM[Gly1065Glu]KDFPVNEVFT

ClinVar aggregate classification (germline): Uncertain significance. Review status: criteria provided, multiple submitters, no conflicts (2 of 4 stars). 9 submissions from 9 submitters: Uncertain significance (8). 1 of the submissions does not count toward it. Last evaluated 2024-12-11.

Conditions:
Familial cancer of breast. Also called: hereditary breast carcinoma; Hereditary breast cancer; BREAST CANCER, FAMILIAL. Identifiers: Orphanet 227535, MedGen C0346153, MONDO:0016419, OMIM 114480. Disease mechanism: loss of function.
Diffuse hemispheric glioma, H3 G34-mutant. Identifiers: MedGen C5669880.
Ataxia-telangiectasia syndrome (AT). Also called: Cerebello-oculocutaneous telangiectasia; Immunodeficiency with ataxia telangiectasia; Ataxia-telangiectasia, complementation group E; Ataxia telangiectasia (A-T); LOUIS-BAR SYNDROME; Ataxia-telangiectasia, complementation group D. Identifiers: Orphanet 100, MedGen C0004135, MONDO:0008840, OMIM 208900.
Hereditary cancer-predisposing syndrome. Also called: Neoplastic Syndromes, Hereditary; Hereditary neoplastic syndrome; Hereditary Cancer Syndrome; Tumor predisposition. Identifiers: Orphanet 140162, MedGen C0027672, MeSH D009386, MONDO:0015356.

Allele frequency attached by ClinVar (database versions not stated): gnomAD exomes below 0.00001 and 0.00001; TOPMed below 0.00001; ExAC 0.00002.
gnomAD v4.1: 2 of 1,614,028 alleles (0.00012%); highest among the groups gnomAD compares: East Asian, 0.0045%; no homozygotes.

Submissions (9):

Ambry Genetics
Classification: Uncertain significance for Hereditary cancer-predisposing syndrome. Last evaluated: 2024-12-11. Review status: criteria provided, single submitter. Criteria: Ambry Variant Classification Scheme 2023. Collection method: clinical testing. Allele origin: germline.
Comment: The p.G1065E variant (also known as c.3194G>A), located in coding exon 21 of the ATM gene, results from a G to A substitution at nucleotide position 3194. The glycine at codon 1065 is replaced by glutamic acid, an amino acid with similar properties. This amino acid position is not well conserved in available vertebrate species. In addition, this alteration is predicted to be tolerated by in silico analysis. Since supporting evidence is limited at this time, the clinical significance of this alteration remains unclear.

Labcorp Genetics (formerly Invitae), Labcorp
Classification: Uncertain significance for Ataxia-telangiectasia syndrome. Last evaluated: 2024-12-11. Review status: criteria provided, single submitter. Criteria: Invitae Variant Classification Sherloc (09022015). Collection method: clinical testing. Allele origin: germline.
Comment: This sequence change replaces glycine, which is neutral and non-polar, with glutamic acid, which is acidic and polar, at codon 1065 of the ATM protein (p.Gly1065Glu). This variant is present in population databases (rs762810180, gnomAD 0.01%). This variant has not been reported in the literature in individuals affected with ATM-related conditions. ClinVar contains an entry for this variant (Variation ID: 236701). Invitae Evidence Modeling of protein sequence and biophysical properties (such as structural, functional, and spatial information, amino acid conservation, physicochemical variation, residue mobility, and thermodynamic stability) indicates that this missense variant is not expected to disrupt ATM protein function with a negative predictive value of 95%. In summary, the available evidence is currently insufficient to determine the role of this variant in disease. Therefore, it has been classified as a Variant of Uncertain Significance.

Athena Diagnostics
Classification: Uncertain significance. Last evaluated: 2024-11-08. Review status: criteria provided, single submitter. Criteria: Athena Diagnostics Criteria. Collection method: clinical testing. Allele origin: unknown.
Comment: Available data are insufficient to determine the clinical significance of the variant at this time. The frequency of this variant in the general population is uninformative in assessment of its pathogenicity. Polyphen and MutationTaster predict this amino acid change may be benign.

Blueprint Genetics
Classification: Uncertain significance. Last evaluated: 2024-05-08. Review status: criteria provided, single submitter. Criteria: ACMG Guidelines, 2015. Collection method: clinical testing. Allele origin: germline.

GeneDx
Classification: Uncertain significance. Last evaluated: 2024-02-20. Review status: criteria provided, single submitter. Criteria: GeneDx Variant Classification Process June 2021. Collection method: clinical testing. Allele origin: germline. Affected: yes.
Comment: In silico analysis supports that this missense variant does not alter protein structure/function; Observed in both cases and controls and in a breast cancer study (PMID: 35585550); This variant is associated with the following publications: (PMID: 19781682, 35585550)

Baylor Genetics
Classification: Uncertain significance for Familial cancer of breast. Last evaluated: 2023-12-14. Review status: criteria provided, single submitter. Criteria: ACMG Guidelines, 2015. Collection method: clinical testing. Allele origin: unknown.

Color Diagnostics, LLC DBA Color Health
Classification: Uncertain significance for Hereditary cancer-predisposing syndrome. Last evaluated: 2021-02-12. Review status: criteria provided, single submitter. Criteria: ACMG Guidelines, 2015. Collection method: clinical testing. Allele origin: germline.
Comment: This missense variant replaces glycine with glutamic acid at codon 1065 of the ATM protein. Computational prediction suggests that this variant may not impact protein structure and function (internally defined REVEL score threshold <= 0.5, PMID: 27666373). To our knowledge, functional studies have not been reported for this variant. This variant has not been reported in individuals affected with hereditary cancer in the literature. This variant has been identified in 3/251334 chromosomes in the general population by the Genome Aggregation Database (gnomAD). The available evidence is insufficient to determine the role of this variant in disease conclusively. Therefore, this variant is classified as a Variant of Uncertain Significance.

Laboratory of Medical Genetics Unit, Bambino Gesù Children's Hospital
Classification: Uncertain significance for Diffuse hemispheric glioma, H3 G34-mutant. Last evaluated: 2020-12-30. Review status: criteria provided, single submitter. Criteria: ACMG Guidelines, 2015. Collection method: research. Allele origin: germline. Affected: yes. Observed: 1 heterozygote.

Natera, Inc.
Classification: Uncertain significance for Ataxia-telangiectasia. Last evaluated: 2020-01-16. Review status: no assertion criteria provided. Collection method: clinical testing. Allele origin: germline. Not counted in ClinVar's aggregate classification.